The following is an entry in ClinVar:

NM_078480.3(PUF60):c.530A>G (p.Tyr177Cys)

Gene: PUF60 (poly(U) binding splicing factor 60; minus strand). Cytogenetic location: 8q24.3.
Variant type: single nucleotide variant.
Coding change: c.530A>G on transcript NM_078480.3 (MANE Select); coding-DNA position 530, A replaced by G.
Protein change: p.Tyr177Cys; replaces tyrosine 177 with cysteine.
Molecular consequence: missense variant.
Genome position (GRCh38, 1-based): chr8:143,818,266, T>C on the plus strand (A>G on the coding strand, the complement: PUF60 is on the minus strand). VCF-style: chr8-143818266-T-C. GRCh37 (hg19) VCF-style: chr8-144900436-T-C.
Other names: c.401A>G, p.Tyr134Cys (NM_001136033.3); c.476A>G, p.Tyr159Cys (NM_001271096.2); c.392A>G, p.Tyr131Cys (NM_001271097.2); c.527A>G, p.Tyr176Cys (NM_001271098.2); c.443A>G, p.Tyr148Cys (NM_001271099.2); c.350A>G, p.Tyr117Cys (NM_001271100.2); c.641A>G, p.Tyr214Cys (NM_001362895.2, NM_001362896.2); c.590A>G, p.Tyr197Cys (NM_001362897.2); and 1 more; short protein forms Y117C, Y131C, Y134C, Y148C, Y159C, Y160C, Y176C, Y177C.
Identifiers: ClinVar variation 2504097 (VCV002504097.2), dbSNP rs2538863283, ClinGen allele CA372492696.

ClinVar aggregate classification (germline): Uncertain significance. Review status: criteria provided, multiple submitters, no conflicts (2 of 4 stars). 2 submissions from 2 submitters: Uncertain significance (2). Last evaluated 2025-10-23.

Conditions:
8q24.3 microdeletion syndrome. Also called: CHROMOSOME 8q24.3 DELETION SYNDROME; Verheij syndrome. Identifiers: Orphanet 508488, MedGen C3810023, MONDO:0014263, OMIM 615583.

Submissions (2):

3billion
Classification: Uncertain significance for 8q24.3 microdeletion syndrome. Last evaluated: 2025-10-23. Review status: criteria provided, single submitter. Criteria: ACMG Guidelines, 2015. Collection method: clinical testing. Allele origin: germline. Affected: yes.
Comment: The variant is not observed in the gnomAD v4.1.0 dataset. Predicted Consequence/Location: Missense variant In silico tool predictions suggest damaging effect of the variant on gene or gene product [REVEL: 0.80 (>=0.6, sensitivity 0.68 and specificity 0.92); 3Cnet: 0.99 (> 0.75, sensitivity 0.96 and precision 0.92)]. A different missense change at the same codon (p.Tyr177His) has been reported to be associated with PUF60-related disorder (ClinVar ID: VCV001299134). However the evidence of pathogenicity is insufficient at this time. Therefore, this variant is classified as VUS according to the recommendation of ACMG/AMP guideline.

Institute of Human Genetics, Cologne University
Classification: Uncertain significance for 8q24.3 microdeletion syndrome. Last evaluated: 2023-01-31. Review status: criteria provided, single submitter. Criteria: ACMG Guidelines, 2015. Collection method: clinical testing. Allele origin: germline. Affected: yes.